The following is an entry in ClinVar:

NM_000206.3(IL2RG):c.270G>A (p.Trp90Ter)

Gene: IL2RG (interleukin 2 receptor subunit gamma; minus strand). Cytogenetic location: Xq13.1.
Variant type: single nucleotide variant.
Coding change: c.270G>A on transcript NM_000206.3 (MANE Select); coding-DNA position 270, G replaced by A.
Protein change: p.Trp90Ter; replaces tryptophan 90 with a stop codon.
Molecular consequence: nonsense.
Genome position (GRCh38, 1-based): chrX:71,110,688, C>T on the plus strand (G>A on the coding strand, the complement: IL2RG is on the minus strand). VCF-style: chrX-71110688-C-T. GRCh37 (hg19) VCF-style: chrX-70330538-C-T.
Other names: short protein forms W90*.
Identifiers: ClinVar variation 569485 (VCV000569485.2), dbSNP rs1569480047, ClinGen allele CA413496944.

ClinVar aggregate classification (germline): Pathogenic. Review status: criteria provided, multiple submitters, no conflicts (2 of 4 stars). 2 submissions from 2 submitters: Pathogenic (2). Last evaluated 2024-05-08.

Conditions:
X-linked severe combined immunodeficiency (SCIDX1). Also called: SEVERE COMBINED IMMUNODEFICIENCY, X-LINKED, T CELL-NEGATIVE, B CELL-POSITIVE, NK CELL-NEGATIVE; T-B+ severe combined immunodeficiency due to gamma chain deficiency; IMMUNODEFICIENCY 4; SCID, X-LINKED; X-Linked Combined Immunodeficiency Diseases. Identifiers: Orphanet 276, MedGen C6022468, MONDO:0010315, OMIM 300400. Disease mechanism: loss of function.

Submissions (2):

Myriad Genetics, Inc.
Classification: Pathogenic for X-linked severe combined immunodeficiency. Last evaluated: 2024-05-08. Review status: criteria provided, single submitter. Criteria: Myriad Autosomal Dominant, Autosomal Recessive and X-Linked Classification Criteria (2023). Collection method: clinical testing. Allele origin: unknown.
Comment: NM_000206.2(IL2RG):c.270G>A(W90*) is expected to be pathogenic in the context of X-linked severe combined immunodeficiency. This variant is predicted to lead to an abnormal or absent protein product due to the creation of a premature termination codon in IL2RG, a gene where loss-of-function variants are known to be pathogenic. Please note: this variant was assessed in the context of healthy population screening.

Labcorp Genetics (formerly Invitae), Labcorp
Classification: Pathogenic for X-linked severe combined immunodeficiency. Last evaluated: 2018-02-05. Review status: criteria provided, single submitter. Criteria: Invitae Variant Classification Sherloc (09022015). Collection method: clinical testing. Allele origin: germline.
Comment: This sequence change creates a premature translational stop signal (p.Trp90*) in the IL2RG gene. It is expected to result in an absent or disrupted protein product. This variant is not present in population databases (ExAC no frequency). This variant has not been reported in the literature in individuals with IL2RG-related disease. Loss-of-function variants in IL2RG are known to be pathogenic (PMID: 9058718, 10794430). For these reasons, this variant has been classified as Pathogenic.